The following is an entry in ClinVar:

NM_003504.5(CDC45):c.1A>C (p.Met1Leu)

Gene: CDC45 (cell division cycle 45; plus strand). Cytogenetic location: 22q11.21.
Variant type: single nucleotide variant.
Coding change: c.1A>C on transcript NM_003504.5 (MANE Select); coding-DNA position 1, A replaced by C.
Protein change: p.Met1Leu; changes the start codon (methionine 1).
Molecular consequence: missense variant, initiator codon variant. On other transcripts: non-coding transcript variant (1), intron variant (1).
Genome position (GRCh38, 1-based): chr22:19,479,969, A>C. VCF-style: chr22-19479969-A-C. GRCh37 (hg19) VCF-style: chr22-19467492-A-C.
Other names: c.1A>C, p.Met1Leu (NM_001178010.2, NM_001178011.2); c.16-189A>C (NM_001369291.1); short protein forms M1L.
Identifiers: ClinVar variation 1373437 (VCV001373437.8), dbSNP rs2146322489, ClinGen allele CA410679104.
Genomic context (GRCh38, chr22:19,479,969, plus strand): 5'-TGACCGCCGCCGGGCTCTTGGTACCTCAGCGCGAGCGCCAGGCGTCCGGCCGCCGTGGCT[A>C]TGTTCGTGTCCGATTTCCGCAAAGAGTTCTACGAGGTGGTCCAGAGCCAGGTGACGCCCA-3'
Protein context (NP_003495.1, residues 1-11): [Met1Leu]FVSDFRKEFY

ClinVar aggregate classification (germline): Uncertain significance (1 of 4 stars; one submission).

Submission:

Labcorp Genetics (formerly Invitae), Labcorp
Classification: Uncertain significance. Last evaluated: 2022-11-28. Review status: criteria provided, single submitter. Criteria: Invitae Variant Classification Sherloc (09022015). Collection method: clinical testing. Allele origin: germline.
Comment: ClinVar contains an entry for this variant (Variation ID: 1373437). Disruption of the initiator codon has been observed in individual(s) with Meier-Gorlin syndrome (PMID: 27374770). This variant is not present in population databases (gnomAD no frequency). This sequence change affects the initiator methionine of the CDC45 mRNA. The next in-frame methionine is located at codon 169. Experimental studies and prediction algorithms are not available or were not evaluated, and the functional significance of this variant is currently unknown. In summary, the available evidence is currently insufficient to determine the role of this variant in disease. Therefore, it has been classified as a Variant of Uncertain Significance.

Literature cited by the submitters: PubMed 27374770.